The following is an entry in ClinVar:

ClinVar aggregate classification (germline): Uncertain significance (1 of 4 stars; one submission).

Conditions:
Fanconi anemia (FA). Also called: Fanconi's anemia. Identifiers: Orphanet 84, MedGen C0015625, MeSH D005199, MONDO:0019391.

Submission:

Labcorp Genetics (formerly Invitae), Labcorp
Classification: Uncertain significance for Fanconi anemia. Last evaluated: 2019-12-15. Review status: criteria provided, single submitter. Criteria: Invitae Variant Classification Sherloc (09022015). Collection method: clinical testing. Allele origin: germline.
Comment: In summary, the available evidence is currently insufficient to determine the role of this variant in disease. Therefore, it has been classified as a Variant of Uncertain Significance. Algorithms developed to predict the effect of missense changes on protein structure and function are either unavailable or do not agree on the potential impact of this missense change (SIFT: "Deleterious"; PolyPhen-2: "Probably Damaging"; Align-GVGD: "Class C0"). This variant has not been reported in the literature in individuals with FANCM-related conditions. This variant is not present in population databases (ExAC no frequency). This sequence change replaces leucine with proline at codon 403 of the FANCM protein (p.Leu403Pro). The leucine residue is moderately conserved and there is a moderate physicochemical difference between leucine and proline.

NM_020937.4(FANCM):c.1208T>C (p.Leu403Pro)

Gene: FANCM (FA complementation group M; plus strand). Cytogenetic location: 14q21.2.
Variant type: single nucleotide variant.
Coding change: c.1208T>C on transcript NM_020937.4 (MANE Select); coding-DNA position 1208, T replaced by C.
Protein change: p.Leu403Pro; replaces leucine 403 with proline.
Molecular consequence: missense variant.
Genome position (GRCh38, 1-based): chr14:45,154,721, T>C. VCF-style: chr14-45154721-T-C. GRCh37 (hg19) VCF-style: chr14-45623924-T-C.
Other names: c.1130T>C, p.Leu377Pro (NM_001308133.2); c.1208T>C, p.Leu403Pro (NM_001308134.2); short protein forms L403P, L377P.
Identifiers: ClinVar variation 847555 (VCV000847555.10), dbSNP rs1887059226, ClinGen allele CA389591140.
Genomic context (GRCh38, chr14:45,154,721, plus strand): 5'-ATTATTTATTTGAAAACCTTTTCTTAATTTCTGAAGGGATGACACGGTCAAAAAATGAAC[T>C]TGGCCGAAATGAAGACTTCATGAAACTCTATAATCATCTAGAGTGTATGTTTGCACGTAC-3'
Protein context (NP_065988.1, residues 393-413): TKGMTRSKNE[Leu403Pro]GRNEDFMKLY